The following is an entry in ClinVar:

ClinVar aggregate classification (germline): Uncertain significance (1 of 4 stars; one submission).

Allele frequency attached by ClinVar (database versions not stated): ExAC 0.00001; gnomAD exomes 0.00001 and 0.00002; gnomAD 0.00002; TOPMed 0.00002.
gnomAD v4.1: 38 of 1,614,054 alleles (0.0024%); highest among the groups gnomAD compares: Non-Finnish European, 0.0031%; no homozygotes.

Submission:

GeneDx
Classification: Uncertain significance. Last evaluated: 2017-04-05. Review status: criteria provided, single submitter. Criteria: GeneDx Variant Classification (06012015). Collection method: clinical testing. Allele origin: germline. Affected: yes.
Comment: The c.1563 A>G variant has not been published as a pathogenic variant, nor has it been reported as a benign variant to our knowledge. The c.1563 A>G variant was not observed at any significance frequency in the in the ExAC dataset (Lek et al., 2016). In-silico splice prediction models are inconsistent in their predictions as to whether or not this variant is results in abnormal splicing. In the absence of RNA/functional studies, the effect of this sequence change in this individual is unknown. Therefore, based on the currently available information, it is unclear whether this variant is a pathogenic variant or a rare benign variant.

NM_000443.4(ABCB4):c.1563A>G (p.Lys521=)

Gene: ABCB4 (ATP binding cassette subfamily B member 4; minus strand). Cytogenetic location: 7q21.12.
Variant type: single nucleotide variant.
Coding change: c.1563A>G on transcript NM_000443.4 (MANE Select); coding-DNA position 1563, A replaced by G.
Protein change: p.Lys521=; no amino-acid change (lysine 521 retained).
Molecular consequence: synonymous variant.
Genome position (GRCh38, 1-based): chr7:87,439,835, T>C on the plus strand (A>G on the coding strand, the complement: ABCB4 is on the minus strand). VCF-style: chr7-87439835-T-C. GRCh37 (hg19) VCF-style: chr7-87069151-T-C.
Other names: c.1563A>G, p.Lys521= (NM_018849.3, NM_018850.3).
Identifiers: ClinVar variation 426746 (VCV000426746.2), dbSNP rs751681894, ClinGen allele CA4327257.